The following is an entry in ClinVar:

ClinVar aggregate classification (germline): Uncertain significance (1 of 4 stars; one submission).

gnomAD v4.1: 2 of 1,609,550 alleles (0.00012%); highest among the groups gnomAD compares: Non-Finnish European, 0.00017%; no homozygotes.

Submission:

GeneDx
Classification: Uncertain significance. Last evaluated: 2023-05-10. Review status: criteria provided, single submitter. Criteria: GeneDx Variant Classification Process June 2021. Collection method: clinical testing. Allele origin: germline. Affected: yes.
Comment: Not observed at significant frequency in large population cohorts (gnomAD); In silico analysis supports that this missense variant has a deleterious effect on protein structure/function; Has not been previously published as pathogenic or benign to our knowledge; Variants in candidate genes are classified as variants of uncertain significance in accordance with ACMG guidelines (Richards et al., 2015)

NM_018897.3(DNAH7):c.6248T>A (p.Leu2083Gln)

Gene: DNAH7 (dynein axonemal heavy chain 7; minus strand). Cytogenetic location: 2q32.3.
Variant type: single nucleotide variant.
Coding change: c.6248T>A on transcript NM_018897.3 (MANE Select); coding-DNA position 6248, T replaced by A.
Protein change: p.Leu2083Gln; replaces leucine 2083 with glutamine.
Molecular consequence: missense variant.
Genome position (GRCh38, 1-based): chr2:195,875,713, A>T on the plus strand (T>A on the coding strand, the complement: DNAH7 is on the minus strand). VCF-style: chr2-195875713-A-T. GRCh37 (hg19) VCF-style: chr2-196740437-A-T.
Other names: short protein forms L2083Q.
Identifiers: ClinVar variation 3343443 (VCV003343443.1).